The following is an entry in ClinVar:

NM_176787.5(PIGN):c.287C>G (p.Pro96Arg)

Gene: PIGN (phosphatidylinositol glycan anchor biosynthesis class N; minus strand). Cytogenetic location: 18q21.33.
Variant type: single nucleotide variant.
Coding change: c.287C>G on transcript NM_176787.5 (MANE Select); coding-DNA position 287, C replaced by G.
Protein change: p.Pro96Arg; replaces proline 96 with arginine.
Molecular consequence: missense variant.
Genome position (GRCh38, 1-based): chr18:62,157,743, G>C on the plus strand (C>G on the coding strand, the complement: PIGN is on the minus strand). VCF-style: chr18-62157743-G-C. GRCh37 (hg19) VCF-style: chr18-59824976-G-C.
Other names: c.287C>G, p.Pro96Arg (NM_001438896.1, NM_001438904.1, NM_001438905.1 and 2 more transcripts); short protein forms P96R.
Identifiers: ClinVar variation 4537242 (VCV004537242.1).

ClinVar aggregate classification (germline): Uncertain significance (1 of 4 stars; one submission).

gnomAD v4.1: 3 of 1,612,448 alleles (0.00019%); highest among the groups gnomAD compares: Non-Finnish European, 0.00025%; no homozygotes.

Submission:

Women's Health and Genetics/Laboratory Corporation of America, LabCorp
Classification: Uncertain significance. Last evaluated: 2025-11-24. Review status: criteria provided, single submitter. Criteria: LabCorp Variant Classification Summary - May 2015. Collection method: clinical testing. Allele origin: germline.
Comment: Variant summary: PIGN c.287C>G (p.Pro96Arg) results in a non-conservative amino acid change in the encoded protein sequence. Algorithms developed to predict the effect of missense changes on protein structure and function all suggest that this variant is likely to be disruptive. The variant allele was found at a frequency of 4.1e-06 in 246750 control chromosomes. The available data on variant occurrences in the general population are insufficient to allow any conclusion about variant significance. c.287C>G has been observed in individual(s) affected with glycosylphosphatidylinositol deficiency (example: Sidpra_2024). These data do not allow any conclusion about variant significance. To our knowledge, no experimental evidence demonstrating an impact on protein function has been reported. The following publication has been ascertained in the context of this evaluation (PMID: 38456468). No submitters have cited clinical-significance assessments for this variant to ClinVar. Based on the evidence outlined above, the variant was classified as uncertain significance.

Literature cited by the submitters: PubMed 38456468.